The following is an entry in ClinVar:

NM_001033044.4(GLUL):c.1085A>G (p.Asn362Ser)

Gene: GLUL (glutamate-ammonia ligase; minus strand). Cytogenetic location: 1q25.3.
Variant type: single nucleotide variant.
Coding change: c.1085A>G on transcript NM_001033044.4 (MANE Select); coding-DNA position 1085, A replaced by G.
Protein change: p.Asn362Ser; replaces asparagine 362 with serine.
Molecular consequence: missense variant.
Genome position (GRCh38, 1-based): chr1:182,384,442, T>C on the plus strand (A>G on the coding strand, the complement: GLUL is on the minus strand). VCF-style: chr1-182384442-T-C. GRCh37 (hg19) VCF-style: chr1-182353577-T-C.
Other names: p.Asn362Ser; c.1085A>G (NM_002065.5); c.1085A>G, p.Asn362Ser (NM_001033056.4, NM_002065.7); short protein forms N362S.
Identifiers: ClinVar variation 501502 (VCV000501502.15), dbSNP rs138414181, ClinGen allele CA1276966.

ClinVar aggregate classification (germline): Uncertain significance. Review status: criteria provided, multiple submitters, no conflicts (2 of 4 stars). 5 submissions from 5 submitters: Uncertain significance (5). Last evaluated 2025-04-25.

Conditions:
Inborn genetic diseases. Identifiers: MedGen C0950123, MeSH D030342.
Congenital brain dysgenesis due to glutamine synthetase deficiency (GLND). Also called: GLUTAMINE SYNTHASE DEFICIENCY, CONGENITAL SYSTEMIC. Identifiers: Orphanet 71278, MedGen C1864910, MONDO:0012393, OMIM 610015.

Allele frequency attached by ClinVar (database versions not stated): gnomAD 0.00027; TOPMed 0.00035; 1000 Genomes Project 0.00040; ESP Exome Variant Server 0.00054; gnomAD exomes 0.00006 and 0.00012; 1000 Genomes Project 30x 0.00031; ExAC 0.00010.
gnomAD v4.1: 125 of 1,613,858 alleles (0.0077%); highest among the groups gnomAD compares: African/African-American, 0.099%; no homozygotes.

Submissions (5):

Ambry Genetics
Classification: Uncertain significance for Inborn genetic diseases. Last evaluated: 2025-04-25. Review status: criteria provided, single submitter. Criteria: Ambry Variant Classification Scheme 2023. Collection method: clinical testing. Allele origin: germline.

Labcorp Genetics (formerly Invitae), Labcorp
Classification: Uncertain significance for Congenital brain dysgenesis due to glutamine synthetase deficiency. Last evaluated: 2024-10-22. Review status: criteria provided, single submitter. Criteria: Invitae Variant Classification Sherloc (09022015). Collection method: clinical testing. Allele origin: germline.
Comment: This sequence change replaces asparagine, which is neutral and polar, with serine, which is neutral and polar, at codon 362 of the GLUL protein (p.Asn362Ser). This variant is present in population databases (rs138414181, gnomAD 0.09%). This variant has not been reported in the literature in individuals affected with GLUL-related conditions. ClinVar contains an entry for this variant (Variation ID: 501502). An algorithm developed to predict the effect of missense changes on protein structure and function (PolyPhen-2) suggests that this variant is likely to be tolerated. In summary, the available evidence is currently insufficient to determine the role of this variant in disease. Therefore, it has been classified as a Variant of Uncertain Significance.

Mayo Clinic Laboratories, Mayo Clinic
Classification: Uncertain significance. Last evaluated: 2021-07-27. Review status: criteria provided, single submitter. Criteria: ACMG Guidelines, 2015. Collection method: clinical testing. Allele origin: germline.

Eurofins Ntd Llc (ga)
Classification: Uncertain significance. Last evaluated: 2017-04-18. Review status: criteria provided, single submitter. Criteria: EGL Classification Definitions 2015. Collection method: clinical testing. Allele origin: germline. Observed: 1 variant allele, 1 heterozygote.

Breakthrough Genomics
Classification: Uncertain significance. Review status: criteria provided, single submitter. Criteria: ACMG Guidelines, 2015. Collection method: not provided. Allele origin: germline. Inheritance: Autosomal recessive inheritance. Affected: yes.